The following is an entry in ClinVar:

ClinVar aggregate classification (germline): Uncertain significance. Review status: criteria provided, multiple submitters, no conflicts (2 of 4 stars). 4 submissions from 4 submitters: Uncertain significance (4). Last evaluated 2026-06-01.

Conditions:
Cardiovascular phenotype. Identifiers: MedGen CN230736.
ABCG8-related disorder. Also called: ABCG8-related condition.

Allele frequency attached by ClinVar (database versions not stated): TOPMed 0.00002.

Submissions (4):

CeGaT Center for Human Genetics Tuebingen
Classification: Uncertain significance. Last evaluated: 2026-06-01. Review status: criteria provided, single submitter. Criteria: CeGaT Center For Human Genetics Tuebingen Variant Classification Criteria Version 2. Collection method: clinical testing. Allele origin: germline. Affected: yes. Observed: 2 variant alleles.
Comment: ABCG8: PM2

PreventionGenetics, part of Exact Sciences
Classification: Uncertain significance for ABCG8-related condition. Last evaluated: 2025-09-22. Review status: criteria provided, single submitter. Criteria: ACMG Guidelines, 2015. Collection method: clinical testing. Allele origin: germline.
Comment: The ABCG8 c.730G>A variant is predicted to result in the amino acid substitution p.Asp244Asn. This variant was reported in a cohort of individuals with hypercholesterolemia (Reeskamp et al. 2020. PubMed ID: 32088153). This variant is reported in 0.0065% of alleles in individuals of South Asian descent in gnomAD. At this time, the clinical significance of this variant is uncertain due to the absence of conclusive functional and genetic evidence.

Ambry Genetics
Classification: Uncertain significance for Cardiovascular phenotype. Last evaluated: 2025-07-28. Review status: criteria provided, single submitter. Criteria: Ambry Variant Classification Scheme 2023. Collection method: clinical testing. Allele origin: germline.
Comment: The p.D244N variant (also known as c.730G>A), located in coding exon 6 of the ABCG8 gene, results from a G to A substitution at nucleotide position 730. The aspartic acid at codon 244 is replaced by asparagine, an amino acid with highly similar properties. This amino acid position is highly conserved in available vertebrate species. In addition, this alteration is predicted to be tolerated by in silico analysis. Since supporting evidence is limited at this time, the clinical significance of this alteration remains unclear.

Mayo Clinic Laboratories, Mayo Clinic
Classification: Uncertain significance. Last evaluated: 2022-08-03. Review status: criteria provided, single submitter. Criteria: ACMG Guidelines, 2015. Collection method: clinical testing. Allele origin: germline. Observed: 2 variant alleles.
Comment: PS4_moderate

Literature cited by the submitters: PubMed 32088153 (cited by Mayo Clinic Laboratories, Mayo Clinic).

NM_022437.3(ABCG8):c.730G>A (p.Asp244Asn)

Gene: ABCG8 (ATP binding cassette subfamily G member 8; plus strand). Cytogenetic location: 2p21.
Variant type: single nucleotide variant.
Coding change: c.730G>A on transcript NM_022437.3 (MANE Select); coding-DNA position 730, G replaced by A.
Protein change: p.Asp244Asn; replaces aspartic acid 244 with asparagine.
Molecular consequence: missense variant.
Genome position (GRCh38, 1-based): chr2:43,852,634, G>A. VCF-style: chr2-43852634-G-A. GRCh37 (hg19) VCF-style: chr2-44079773-G-A.
Other names: p.Asp244Asn; c.730G>A, p.Asp244Asn (NM_001357321.2); short protein forms D244N.
Identifiers: ClinVar variation 1758252 (VCV001758252.18), dbSNP rs776975830, ClinGen allele CA1637159.